The following is an entry in ClinVar:

NM_002474.3(MYH11):c.5093C>T (p.Ala1698Val)

Genes: MYH11 (myosin heavy chain 11; minus strand), NDE1 (nudE neurodevelopment protein 1; plus strand). Cytogenetic location: 16p13.11.
Variant type: single nucleotide variant.
Coding change: c.5093C>T on transcript NM_002474.3 (MANE Select); coding-DNA position 5093, C replaced by T.
Protein change: p.Ala1698Val; replaces alanine 1698 with valine.
Molecular consequence: missense variant. On other transcripts: intron variant (2).
Genome position (GRCh38, 1-based): chr16:15,719,298, G>A on the plus strand (C>T on the coding strand, the complement: MYH11 is on the minus strand). VCF-style: chr16-15719298-G-A. GRCh37 (hg19) VCF-style: chr16-15813155-G-A.
Other names: p.A1698V:GCC>GTC; c.5114C>T, p.Ala1705Val (NM_001040113.2, NM_001040114.2); c.5093C>T, p.Ala1698Val (NM_022844.3); c.948-4893G>A (NM_001143979.2, NM_017668.3); short protein forms A1698V, A1705V.
Identifiers: ClinVar variation 201082 (VCV000201082.7), dbSNP rs779639232, ClinGen allele CA306589.

ClinVar aggregate classification (germline): Uncertain significance. Review status: criteria provided, multiple submitters, no conflicts (2 of 4 stars). 3 submissions from 3 submitters: Uncertain significance (3). Last evaluated 2024-02-05.

Conditions:
Familial thoracic aortic aneurysm and aortic dissection (TAAD). Also called: Thoracic aortic aneurysms and dissections. Identifiers: Orphanet 91387, MedGen C4707243, MONDO:0019625.

Allele frequency attached by ClinVar (database versions not stated): ExAC 0.00003.
gnomAD v4.1: 12 of 1,611,520 alleles (0.00074%); highest among the groups gnomAD compares: East Asian, 0.027%; no homozygotes.

Submissions (3):

All of Us Research Program, National Institutes of Health
Classification: Uncertain significance for Familial thoracic aortic aneurysm and aortic dissection. Last evaluated: 2024-02-05. Review status: criteria provided, single submitter. Criteria: ACMG Guidelines, 2015. Collection method: clinical testing. Allele origin: germline. Inheritance: Autosomal dominant inheritance. Observed: 2 variant alleles, 2 heterozygotes.
Comment: This missense variant replaces alanine with valine at codon 1705 of the MYH11 protein. Computational prediction suggests that this variant may not impact protein structure and function (internally defined REVEL score threshold <= 0.5, PMID: 27666373). To our knowledge, functional studies have not been reported for this variant. This variant has not been reported in individuals affected with MYH11-related disorders in the literature. This variant has been identified in 4/249468 chromosomes in the general population by the Genome Aggregation Database (gnomAD). The available evidence is insufficient to determine the role of this variant in disease conclusively. Therefore, this variant is classified as a Variant of Uncertain Significance.

This study involves interpretation of variants in research participants for the purpose of population health screening. Participant phenotype was not available at the time of variant classification. Additional details can be found in publication PMID: 35346344, PMCID: PMC8962531

GeneDx
Classification: Uncertain significance. Last evaluated: 2023-08-31. Review status: criteria provided, single submitter. Criteria: GeneDx Variant Classification Process June 2021. Collection method: clinical testing. Allele origin: germline. Affected: yes.
Comment: Not observed at significant frequency in large population cohorts (gnomAD); In silico analysis supports that this missense variant has a deleterious effect on protein structure/function; Has not been previously published as pathogenic or benign to our knowledge; This variant is associated with the following publications: (PMID: 21529752)

Ambry Genetics
Classification: Uncertain significance for Familial thoracic aortic aneurysm and aortic dissection. Last evaluated: 2020-11-06. Review status: criteria provided, single submitter. Criteria: Ambry Variant Classification Scheme 2023. Collection method: clinical testing. Allele origin: germline.
Comment: The p.A1698V variant (also known as c.5093C>T), located in coding exon 35 of the MYH11 gene, results from a C to T substitution at nucleotide position 5093. The alanine at codon 1698 is replaced by valine, an amino acid with similar properties. This amino acid position is well conserved in available vertebrate species. In addition, the in silico prediction for this alteration is inconclusive. Since supporting evidence is limited at this time, the clinical significance of this alteration remains unclear.